The following is an entry in ClinVar:

NM_015629.4(PRPF31):c.1430_1431delinsCA (p.Gln477Pro)

Gene: PRPF31 (pre-mRNA processing factor 31; plus strand). Cytogenetic location: 19q13.42.
Variant type: Indel.
Coding change: c.1430_1431delinsCA on transcript NM_015629.4 (MANE Select); coding-DNA positions 1430 to 1431, AG replaced by CA.
Protein change: p.Gln477Pro; replaces glutamine 477 with proline.
Molecular consequence: missense variant.
Genome position (GRCh38, 1-based): chr19:54,131,362-54,131,363, AG replaced by CA. VCF-style: chr19-54131362-AG-CA. GRCh37 (hg19) VCF-style: chr19-54634793-AG-CA.
Other names: short protein forms Q477P.
Identifiers: ClinVar variation 1349451 (VCV001349451.6), dbSNP rs2146457996, ClinGen allele CA2573156672.

ClinVar aggregate classification (germline): Uncertain significance (1 of 4 stars; one submission).

Submission:

Labcorp Genetics (formerly Invitae), Labcorp
Classification: Uncertain significance. Last evaluated: 2023-11-10. Review status: criteria provided, single submitter. Criteria: Invitae Variant Classification Sherloc (09022015). Collection method: clinical testing. Allele origin: germline.
Comment: This sequence change replaces glutamine, which is neutral and polar, with proline, which is neutral and non-polar, at codon 477 of the PRPF31 protein (p.Gln477Pro). This variant is present in population databases (no rsID available, gnomAD 0.002%). This variant has not been reported in the literature in individuals affected with PRPF31-related conditions. ClinVar contains an entry for this variant (Variation ID: 1349451). An algorithm developed to predict the effect of missense changes on protein structure and function (PolyPhen-2) suggests that this variant is likely to be tolerated. In summary, the available evidence is currently insufficient to determine the role of this variant in disease. Therefore, it has been classified as a Variant of Uncertain Significance.